The following is an entry in ClinVar:

NM_020754.4(ARHGAP31):c.596G>A (p.Arg199Gln)

Gene: ARHGAP31 (Rho GTPase activating protein 31; plus strand). Cytogenetic location: 3q13.33.
Variant type: single nucleotide variant.
Coding change: c.596G>A on transcript NM_020754.4 (MANE Select); coding-DNA position 596, G replaced by A.
Protein change: p.Arg199Gln; replaces arginine 199 with glutamine.
Molecular consequence: missense variant.
Genome position (GRCh38, 1-based): chr3:119,383,140, G>A. VCF-style: chr3-119383140-G-A. GRCh37 (hg19) VCF-style: chr3-119101987-G-A.
Other names: c.596G>A (NM_020754.2); short protein forms R199Q.
Identifiers: ClinVar variation 1407584 (VCV001407584.7), dbSNP rs768829713, ClinGen allele CA2553642.

ClinVar aggregate classification (germline): Uncertain significance. Review status: criteria provided, multiple submitters, no conflicts (2 of 4 stars). 2 submissions from 2 submitters: Uncertain significance (2). Last evaluated 2024-12-03.

Conditions:
Inborn genetic diseases. Identifiers: MedGen C0950123, MeSH D030342.

Allele frequency attached by ClinVar (database versions not stated): ExAC 0.00001; gnomAD 0.00001; TOPMed 0.00001; gnomAD exomes 0.00002.
gnomAD v4.1: 38 of 1,614,022 alleles (0.0024%); highest among the groups gnomAD compares: East Asian, 0.0045%; no homozygotes.

Submissions (2):

Ambry Genetics
Classification: Uncertain significance for Inborn genetic diseases. Last evaluated: 2024-12-03. Review status: criteria provided, single submitter. Criteria: Ambry Variant Classification Scheme 2023. Collection method: clinical testing. Allele origin: germline.

Labcorp Genetics (formerly Invitae), Labcorp
Classification: Uncertain significance. Last evaluated: 2024-10-24. Review status: criteria provided, single submitter. Criteria: Invitae Variant Classification Sherloc (09022015). Collection method: clinical testing. Allele origin: germline.
Comment: This sequence change replaces arginine, which is basic and polar, with glutamine, which is neutral and polar, at codon 199 of the ARHGAP31 protein (p.Arg199Gln). This variant is present in population databases (rs768829713, gnomAD 0.004%). This variant has not been reported in the literature in individuals affected with ARHGAP31-related conditions. ClinVar contains an entry for this variant (Variation ID: 1407584). An algorithm developed to predict the effect of missense changes on protein structure and function (PolyPhen-2) suggests that this variant is likely to be disruptive. In summary, the available evidence is currently insufficient to determine the role of this variant in disease. Therefore, it has been classified as a Variant of Uncertain Significance.